The following is an entry in ClinVar:

NM_003803.4(MYOM1):c.185G>A (p.Arg62His)

Gene: MYOM1 (myomesin 1; minus strand). Cytogenetic location: 18p11.31.
Variant type: single nucleotide variant.
Coding change: c.185G>A on transcript NM_003803.4 (MANE Select); coding-DNA position 185, G replaced by A.
Protein change: p.Arg62His; replaces arginine 62 with histidine.
Molecular consequence: missense variant.
Genome position (GRCh38, 1-based): chr18:3,215,039, C>T on the plus strand (G>A on the coding strand, the complement: MYOM1 is on the minus strand). VCF-style: chr18-3215039-C-T. GRCh37 (hg19) VCF-style: chr18-3215037-C-T.
Other names: c.185G>A, p.Arg62His (NM_019856.2); short protein forms R62H.
Identifiers: ClinVar variation 2074397 (VCV002074397.4), dbSNP rs751231592, ClinGen allele CA8875331.

ClinVar aggregate classification (germline): Uncertain significance (1 of 4 stars; one submission).

Conditions:
Hypertrophic cardiomyopathy. Also called: HYPERTROPHIC MYOCARDIOPATHY. Identifiers: Orphanet 217569, MedGen C0007194, MeSH D002312, MONDO:0005045, HP:0001639.

Allele frequency attached by ClinVar (database versions not stated): TOPMed below 0.00001.

Submission:

Labcorp Genetics (formerly Invitae), Labcorp
Classification: Uncertain significance for Hypertrophic cardiomyopathy. Last evaluated: 2022-05-30. Review status: criteria provided, single submitter. Criteria: Invitae Variant Classification Sherloc (09022015). Collection method: clinical testing. Allele origin: germline.
Comment: This sequence change replaces arginine, which is basic and polar, with histidine, which is basic and polar, at codon 62 of the MYOM1 protein (p.Arg62His). This variant is present in population databases (rs751231592, gnomAD 0.003%). This variant has not been reported in the literature in individuals affected with MYOM1-related conditions. Algorithms developed to predict the effect of missense changes on protein structure and function (SIFT, PolyPhen-2, Align-GVGD) all suggest that this variant is likely to be tolerated. In summary, the available evidence is currently insufficient to determine the role of this variant in disease. Therefore, it has been classified as a Variant of Uncertain Significance.